The following is an entry in ClinVar:

NM_000051.4(ATM):c.4798del (p.Ser1599_Val1600insTer)

Gene: ATM (ATM serine/threonine kinase; plus strand). Cytogenetic location: 11q22.3.
Variant type: Deletion.
Coding change: c.4798del on transcript NM_000051.4 (MANE Select); coding-DNA position 4798, one base deleted (G; older notation c.4798delG).
Protein change: p.Ser1599_Val1600insTer.
Molecular consequence: nonsense.
Genome position (GRCh38, 1-based): chr11:108,294,948, G deleted. VCF-style (leftmost placement, unchanged base first): chr11-108294947-AG-A. GRCh37 (hg19) VCF-style: chr11-108165674-AG-A.
Other names: c.4798del, p.Ser1599_Val1600insTer (NM_001351834.2); c.4798delG (NM_000051.3).
Identifiers: ClinVar variation 1360085 (VCV001360085.7), dbSNP rs2135834179, ClinGen allele CA2573146720.

ClinVar aggregate classification (germline): Pathogenic. Review status: criteria provided, multiple submitters, no conflicts (2 of 4 stars). 2 submissions from 2 submitters: Pathogenic (2). Last evaluated 2025-04-23.

Conditions:
Hereditary cancer-predisposing syndrome. Also called: Hereditary Cancer Syndrome; Hereditary neoplastic syndrome; Tumor predisposition; Neoplastic Syndromes, Hereditary. Identifiers: Orphanet 140162, MedGen C0027672, MeSH D009386, MONDO:0015356.
Ataxia-telangiectasia syndrome (AT). Also called: ATAXIA-TELANGIECTASIA, COMPLEMENTATION GROUP A; ATAXIA-TELANGIECTASIA, FRESNO VARIANT; Ataxia-telangiectasia; Ataxia-telangiectasia, complementation group D; Ataxia-telangiectasia, complementation group E; Ataxia telangiectasia (A-T). Identifiers: Orphanet 100, MedGen C0004135, MONDO:0008840, OMIM 208900.

Submissions (2):

Ambry Genetics
Classification: Pathogenic for Hereditary cancer-predisposing syndrome. Last evaluated: 2025-04-23. Review status: criteria provided, single submitter. Criteria: Ambry Variant Classification Scheme 2023. Collection method: clinical testing. Allele origin: germline.
Comment: The c.4798delG pathogenic mutation, located in coding exon 31 of the ATM gene, results from a deletion of one nucleotide at nucleotide position 4798, causing a translational frameshift with a predicted alternate stop codon (p.V1600*). This variant is considered to be rare based on population cohorts in the Genome Aggregation Database (gnomAD). This alteration is expected to result in loss of function by premature protein truncation or nonsense-mediated mRNA decay. As such, this alteration is interpreted as a disease-causing mutation.

Labcorp Genetics (formerly Invitae), Labcorp
Classification: Pathogenic for Ataxia-telangiectasia syndrome. Last evaluated: 2021-07-22. Review status: criteria provided, single submitter. Criteria: Invitae Variant Classification Sherloc (09022015). Collection method: clinical testing. Allele origin: germline.
Comment: For these reasons, this variant has been classified as Pathogenic. This variant has not been reported in the literature in individuals affected with ATM-related conditions. This variant is not present in population databases (ExAC no frequency). This sequence change creates a premature translational stop signal (p.Val1600*) in the ATM gene. It is expected to result in an absent or disrupted protein product. Loss-of-function variants in ATM are known to be pathogenic (PMID: 23807571, 25614872).

Literature cited by the submitters: PubMed 23807571 (cited by Labcorp Genetics (formerly Invitae), Labcorp); PubMed 25614872 (cited by Labcorp Genetics (formerly Invitae), Labcorp).